The following is an entry in ClinVar:

ClinVar aggregate classification (germline): Pathogenic (1 of 4 stars; one submission).

Submission:

Labcorp Genetics (formerly Invitae), Labcorp
Classification: Pathogenic. Last evaluated: 2022-03-22. Review status: criteria provided, single submitter. Criteria: Invitae Variant Classification Sherloc (09022015). Collection method: clinical testing. Allele origin: germline.
Comment: This variant has not been reported in the literature in individuals affected with TYMP-related conditions. This variant is not present in population databases (gnomAD no frequency). This sequence change results in a frameshift in the TYMP gene (p.Arg430Alafs*). While this is not anticipated to result in nonsense mediated decay, it is expected to disrupt the last 53 amino acid(s) of the TYMP protein and extend the protein by an uncertain number of additional amino acid residues. This variant results in an extension of the TYMP protein. Other variant(s) that result in a similarly extended protein product (p.Asp443Profs*) have been determined to be pathogenic (PMID: 16198108). This suggests that these extensions are likely to be disease-causing. For these reasons, this variant has been classified as Pathogenic.

Literature cited by the submitters: PubMed 16198108.

NM_001953.5(TYMP):c.1288_1289del (p.Arg430fs)

Genes: SCO2 (synthesis of cytochrome C oxidase 2; minus strand), TYMP (thymidine phosphorylase; minus strand), LOC130067862 (ATAC-STARR-seq lymphoblastoid silent region 13986; plus strand). Cytogenetic location: 22q13.33.
Variant type: Microsatellite.
Coding change: c.1288_1289del on transcript NM_001953.5 (MANE Select); coding-DNA positions 1288 to 1289, 2 bases deleted (AG; older notation c.1288_1289delAG).
Protein change: p.Arg430fs; shifts the reading frame from arginine 430.
Molecular consequence: frameshift variant. On other transcripts: 5 prime UTR variant (1), intron variant (1).
Genome position (GRCh38, 1-based): chr22:50,526,012-50,526,013, CT deleted on the plus strand (AG on the coding strand, the reverse complement: TYMP is on the minus strand); deleting any 2 consecutive bases within chr22:50,526,012-50,526,015 gives the same sequence; the c. name uses the placement nearest the transcript's 3' end. VCF-style (leftmost placement, unchanged base first): chr22-50526011-CCT-C. GRCh37 (hg19) VCF-style: chr22-50964440-CCT-C.
Other names: c.1303_1304del, p.Arg435fs (NM_001257989.1); c.-28AG[1] (NM_001169110.1); c.-14+233_-14+234del (NM_001169109.2); c.1288_1289del, p.Arg430fs (NM_001113755.3, NM_001113756.3, NM_001257988.1); short protein forms R430fs, R435fs.
Identifiers: ClinVar variation 2065894 (VCV002065894.4), dbSNP rs2522504977, ClinGen allele CA2580615337.